The following is an entry in ClinVar:

ClinVar aggregate classification (germline): Benign (1 of 4 stars; one submission).

Conditions:
Seizures, benign familial infantile, 3 (BFIS3). Also called: CONVULSIONS, BENIGN FAMILIAL INFANTILE, 3; Familial neonatal seizures. Identifiers: Orphanet 140927, Orphanet 306, MedGen C1843140, MONDO:0011904, OMIM 607745.

Allele frequency attached by ClinVar (database versions not stated): gnomAD 0.00104 and 0.00135; TOPMed 0.00183; 1000 Genomes Project 0.00339; 1000 Genomes Project 30x 0.00468.

Submission:

Illumina Laboratory Services, Illumina
Classification: Benign for Seizures, benign familial infantile, 3. Last evaluated: 2018-01-12. Review status: criteria provided, single submitter. Criteria: ICSL Variant Classification Criteria 13 December 2019. Collection method: clinical testing. Allele origin: germline.
Comment: This variant was observed in the ICSL laboratory as part of a predisposition screen in an ostensibly healthy population. It had not been previously curated by ICSL or reported in the Human Gene Mutation Database (HGMD: prior to June 1st, 2018), and was therefore a candidate for classification through an automated scoring system. Utilizing variant allele frequency, disease prevalence and penetrance estimates, and inheritance mode, an automated score was calculated to assess if this variant is too frequent to cause the disease. Based on the score and internal cut-off values, a variant classified as benign is not then subjected to further curation. The score for this variant resulted in a classification of benign for this disease.

NM_001040142.2(SCN2A):c.*2222G>A

Gene: SCN2A (sodium voltage-gated channel alpha subunit 2; plus strand). Cytogenetic location: 2q24.3.
Variant type: single nucleotide variant.
Coding change: c.*2222G>A on transcript NM_001040142.2 (MANE Select); 2222 bases downstream of the stop codon, G replaced by A.
Molecular consequence: 3 prime UTR variant.
Genome position (GRCh38, 1-based): chr2:165,392,046, G>A. VCF-style: chr2-165392046-G-A. GRCh37 (hg19) VCF-style: chr2-166248556-G-A.
Other names: c.*2222G>A (NM_001040143.2, NM_001371246.1, NM_001371247.1 and 1 more transcripts).
Identifiers: ClinVar variation 331762 (VCV000331762.5), dbSNP rs187365022, ClinGen allele CA10612678.
Genomic context (GRCh38, chr2:165,392,046, plus strand): 5'-AAAGAACGGTAAACCACATTACAATCAAGCCAAAAGAATAAAGGTTTCGCTTTTGTTTTT[G>A]TATTTAATTGTTGTCTTTGTTTCTATCTTTGAAATGCCATTTAAAGGTAGATTTCTATCA-3'